The following is an entry in ClinVar:

NM_013451.4(MYOF):c.5260A>G (p.Asn1754Asp)

Gene: MYOF (myoferlin; minus strand). Cytogenetic location: 10q23.33.
Variant type: single nucleotide variant.
Coding change: c.5260A>G on transcript NM_013451.4 (MANE Select); coding-DNA position 5260, A replaced by G.
Protein change: p.Asn1754Asp; replaces asparagine 1754 with aspartic acid.
Molecular consequence: missense variant.
Genome position (GRCh38, 1-based): chr10:93,325,837, T>C on the plus strand (A>G on the coding strand, the complement: MYOF is on the minus strand). VCF-style: chr10-93325837-T-C. GRCh37 (hg19) VCF-style: chr10-95085594-T-C.
Other names: c.5221A>G, p.Asn1741Asp (NM_133337.3); c.5260A>G (NM_013451.3); short protein forms N1741D, N1754D.
Identifiers: ClinVar variation 1701148 (VCV001701148.32), dbSNP rs34689790, ClinGen allele CA5606769.

ClinVar aggregate classification (germline): Benign. Review status: criteria provided, single submitter (1 of 4 stars). 2 submissions from 2 submitters: Benign (1). 1 of the submissions does not count toward it. Last evaluated 2024-05-01.

Conditions:
MYOF-related disorder. Also called: MYOF-related condition.

Allele frequency attached by ClinVar (database versions not stated): 1000 Genomes Project 0.00160; 1000 Genomes Project 30x 0.00172; ExAC 0.00555; gnomAD exomes 0.00602 and 0.01092; gnomAD 0.00690 and 0.00707; TOPMed 0.00735; ESP Exome Variant Server 0.00860.
gnomAD v4.1: 16,995 of 1,612,608 alleles (1.1%); highest among the groups gnomAD compares: Non-Finnish European, 1.3%; 122 homozygotes.

Submissions (2):

CeGaT Center for Human Genetics Tuebingen
Classification: Benign. Last evaluated: 2024-05-01. Review status: criteria provided, single submitter. Criteria: CeGaT Center For Human Genetics Tuebingen Variant Classification Criteria Version 2. Collection method: clinical testing. Allele origin: germline. Affected: yes. Observed: 6 variant alleles.
Comment: MYOF: BS1, BS2

PreventionGenetics, part of Exact Sciences
Classification: Benign for MYOF-related condition. Last evaluated: 2024-06-09. Review status: no assertion criteria provided. Collection method: clinical testing. Allele origin: germline. Not counted in ClinVar's aggregate classification.
Comment: This variant is classified as benign based on ACMG/AMP sequence variant interpretation guidelines (Richards et al. 2015 PMID: 25741868, with internal and published modifications).